The following is an entry in ClinVar:

NC_000022.11:g.40346449G>C

Gene: ADSL (adenylosuccinate lyase; plus strand). Cytogenetic location: 22q13.1.
Variant type: single nucleotide variant.
Genome position: GRCh38 VCF-style: chr22-40346449-G-C. GRCh37 (hg19) VCF-style: chr22-40742453-G-C.
Identifiers: ClinVar variation 1350432 (VCV001350432.3), dbSNP rs554145337, ClinGen allele CA324446924.

ClinVar aggregate classification (germline): Uncertain significance (1 of 4 stars; one submission).

Conditions:
Adenylosuccinate lyase deficiency (ADSLD). Also called: ADSL DEFICIENCY. Identifiers: Orphanet 46, MedGen C0268126, MONDO:0007068, OMIM 103050.

Allele frequency attached by ClinVar (database versions not stated): gnomAD 0.00004 and 0.00006; TOPMed 0.00018; 1000 Genomes Project 0.00040; 1000 Genomes Project 30x 0.00062.

Submission:

Labcorp Genetics (formerly Invitae), Labcorp
Classification: Uncertain significance for Adenylosuccinate lyase deficiency. Last evaluated: 2022-11-01. Review status: criteria provided, single submitter. Criteria: Invitae Variant Classification Sherloc (09022015). Collection method: clinical testing. Allele origin: germline.
Comment: This variant occurs in a non-coding region of the ADSL gene. It does not change the encoded amino acid sequence of the ADSL protein. This variant is present in population databases (rs554145337, gnomAD 0.1%). This variant has not been reported in the literature in individuals affected with ADSL-related conditions. Experimental studies and prediction algorithms are not available or were not evaluated, and the functional significance of this variant is currently unknown. In summary, the available evidence is currently insufficient to determine the role of this variant in disease. Therefore, it has been classified as a Variant of Uncertain Significance.